The following is an entry in ClinVar:

ClinVar aggregate classification (germline): Uncertain significance. Review status: criteria provided, multiple submitters, no conflicts (2 of 4 stars). 2 submissions from 2 submitters: Uncertain significance (2). Last evaluated 2026-03-25.

Conditions:
Nonsyndromic genetic hearing loss. Also called: Nonsyndromic hearing loss and deafness; Nonsyndromic genetic deafness; Non-syndromic genetic deafness. Identifiers: Orphanet 87884, MedGen C5680182, MONDO:0019497.
DMXL2-related disorder. Also called: DMXL2-related condition.

gnomAD v4.1: 12 of 1,613,778 alleles (0.00074%); highest among the groups gnomAD compares: Middle Eastern, 0.016%; no homozygotes.

Submissions (2):

PreventionGenetics, part of Exact Sciences
Classification: Uncertain significance for DMXL2-related condition. Last evaluated: 2026-03-25. Review status: criteria provided, single submitter. Criteria: ACMG Guidelines, 2015. Collection method: clinical testing. Allele origin: germline.
Comment: The DMXL2 c.3937G>A variant is predicted to result in the amino acid substitution p.Glu1313Lys. To our knowledge, this variant has not been reported in the literature or in a large population database (gnomAD), indicating this variant is rare. At this time, the clinical significance of this variant is uncertain due to the absence of conclusive functional and genetic evidence.

Department of Pathology and Laboratory Medicine, Sinai Health System
Classification: Uncertain significance for nonsyndromic genetic hearing loss. Last evaluated: 2022-11-16. Review status: criteria provided, single submitter. Criteria: ACMG Guidelines, 2015. Collection method: research. Allele origin: germline.

NM_001378457.1(DMXL2):c.3937G>A (p.Glu1313Lys)

Gene: DMXL2 (Dmx like 2; minus strand). Cytogenetic location: 15q21.2.
Variant type: single nucleotide variant.
Coding change: c.3937G>A on transcript NM_001378457.1 (MANE Select); coding-DNA position 3937, G replaced by A.
Protein change: p.Glu1313Lys; replaces glutamic acid 1313 with lysine.
Molecular consequence: missense variant. On other transcripts: non-coding transcript variant (2), intron variant (2).
Genome position (GRCh38, 1-based): chr15:51,499,287, C>T on the plus strand (G>A on the coding strand, the complement: DMXL2 is on the minus strand). VCF-style: chr15-51499287-C-T. GRCh37 (hg19) VCF-style: chr15-51791484-C-T.
Other names: c.3937G>A (NM_001174116.1); c.3937G>A, p.Glu1313Lys (NM_001378458.1, NM_001378459.1, NM_001378461.1 and 4 more transcripts); c.3697G>A, p.Glu1233Lys (NM_001378464.1); c.2765-7540G>A (NM_001378460.1); c.2765-4153G>A (NM_001174117.3); short protein forms E1233K, E1313K.
Identifiers: ClinVar variation 3779254 (VCV003779254.2).